The following is an entry in ClinVar:

ClinVar aggregate classification (germline): Benign/Likely benign. Review status: criteria provided, multiple submitters, no conflicts (2 of 4 stars). 4 submissions from 4 submitters: Benign (1); Likely benign (3). Last evaluated 2025-09-29.

Conditions:
POLD1-related polyposis and colorectal cancer syndrome (CRCS10). Also called: Colorectal cancer, susceptibility to, 10; Colorectal cancer 10; COLORECTAL CANCER, SUSCEPTIBILITY TO, ON CHROMOSOME 19q. Identifiers: Orphanet 220460, MedGen C2675481, MONDO:0012953, OMIM 612591.
Hereditary cancer-predisposing syndrome. Also called: Neoplastic Syndromes, Hereditary; Hereditary neoplastic syndrome; Hereditary Cancer Syndrome; Tumor predisposition. Identifiers: Orphanet 140162, MedGen C0027672, MeSH D009386, MONDO:0015356.

Allele frequency attached by ClinVar (database versions not stated): ExAC 0.00001; gnomAD exomes 0.00001; TOPMed 0.00002.
gnomAD v4.1: 8 of 1,613,882 alleles (0.0005%); highest among the groups gnomAD compares: African/African-American, 0.0093%; no homozygotes.

Submissions (4):

Labcorp Genetics (formerly Invitae), Labcorp
Classification: Likely benign for POLD1-related polyposis and colorectal cancer syndrome. Last evaluated: 2025-09-29. Review status: criteria provided, single submitter. Criteria: Invitae Variant Classification Sherloc (09022015). Collection method: clinical testing. Allele origin: germline.

Myriad Genetics, Inc.
Classification: Benign for POLD1-related polyposis and colorectal cancer syndrome. Last evaluated: 2025-02-06. Review status: criteria provided, single submitter. Criteria: Myriad Autosomal Dominant, Autosomal Recessive and X-Linked Classification Criteria (2023). Collection method: clinical testing. Allele origin: unknown.
Comment: This variant is considered benign. This variant is a silent/synonymous amino acid change and it is not expected to impact splicing.

GeneDx
Classification: Likely benign. Last evaluated: 2020-01-31. Review status: criteria provided, single submitter. Criteria: GeneDx Variant Classification Process June 2021. Collection method: clinical testing. Allele origin: germline. Affected: yes.

Ambry Genetics
Classification: Likely benign for Hereditary cancer-predisposing syndrome. Last evaluated: 2016-08-10. Review status: criteria provided, single submitter. Criteria: Ambry Variant Classification Scheme 2023. Collection method: clinical testing. Allele origin: germline.

NM_002691.4(POLD1):c.1323G>C (p.Thr441=)

Gene: POLD1 (DNA polymerase delta 1, catalytic subunit; plus strand). Cytogenetic location: 19q13.33.
Variant type: single nucleotide variant.
Coding change: c.1323G>C on transcript NM_002691.4 (MANE Select); coding-DNA position 1323, G replaced by C.
Protein change: p.Thr441=; no amino-acid change (threonine 441 retained).
Molecular consequence: synonymous variant. On other transcripts: non-coding transcript variant (1).
Genome position (GRCh38, 1-based): chr19:50,406,262, G>C. VCF-style: chr19-50406262-G-C. GRCh37 (hg19) VCF-style: chr19-50909519-G-C.
Other names: c.1323G>C, p.Thr441= (NM_001256849.1, NM_001308632.1).
Identifiers: ClinVar variation 387630 (VCV000387630.18), dbSNP rs768901366, ClinGen allele CA9596107.